The following is an entry in ClinVar:

ClinVar aggregate classification (germline): Uncertain significance (1 of 4 stars; one submission).

Conditions:
Cardiovascular phenotype. Identifiers: MedGen CN230736.

Submission:

Ambry Genetics
Classification: Uncertain significance for Cardiovascular phenotype. Last evaluated: 2020-01-22. Review status: criteria provided, single submitter. Criteria: Ambry Variant Classification Scheme 2023. Collection method: clinical testing. Allele origin: germline.
Comment: The c.937_939delAACinsGAT variant (also known as p.N313D), located in coding exon 8 of the EFEMP2 gene, results from an in-frame deletion of AAC and insertion of GAT at nucleotide positions 937 to 939. This results in the substitution of the asparagine residue for an aspartic acid residue at codon 313, an amino acid with highly similar properties. This amino acid position is well conserved in available vertebrate species. Since supporting evidence is limited at this time, the clinical significance of this alteration remains unclear.

NM_016938.5(EFEMP2):c.937_939delinsGAT (p.Asn313Asp)

Gene: EFEMP2 (EGF containing fibulin extracellular matrix protein 2; minus strand). Cytogenetic location: 11q13.1.
Variant type: Indel.
Coding change: c.937_939delinsGAT on transcript NM_016938.5 (MANE Select); coding-DNA positions 937 to 939, AAC replaced by GAT.
Protein change: p.Asn313Asp; replaces asparagine 313 with aspartic acid.
Molecular consequence: missense variant. On other transcripts: non-coding transcript variant (1).
Genome position (GRCh38, 1-based): chr11:65,868,330-65,868,332, GTT replaced by ATC on the plus strand (AAC replaced by GAT on the coding strand, the reverse complement: EFEMP2 is on the minus strand). VCF-style: chr11-65868330-GTT-ATC. GRCh37 (hg19) VCF-style: chr11-65635801-GTT-ATC.
Other names: short protein forms N313D.
Identifiers: ClinVar variation 1766720 (VCV001766720.2), dbSNP rs2495573800, ClinGen allele CA2580084501.
Genomic context (GRCh38, chr11:65,868,330, plus strand): 5'-GGGGCCTGGCATCGAATTGACTCACTTCTCAGAGACCTGGATGTAGGGCTCCACGCAGCG[GTT>ATC]GGTGTCCACGCAGCGGTAGCCCCCATGGAAGTTGACACAGGTTTGGGCCTCGGAGCACTG-3'
Protein context (NP_058634.4, residues 303-323): FHGGYRCVDT[Asn313Asp]RCVEPYIQVS